The following is an entry in ClinVar:

NM_020774.4(MIB1):c.2774A>G (p.Asp925Gly)

Gene: MIB1 (MIB E3 ubiquitin protein ligase 1; plus strand). Cytogenetic location: 18q11.2.
Variant type: single nucleotide variant.
Coding change: c.2774A>G on transcript NM_020774.4 (MANE Select); coding-DNA position 2774, A replaced by G.
Protein change: p.Asp925Gly; replaces aspartic acid 925 with glycine.
Molecular consequence: missense variant.
Genome position (GRCh38, 1-based): chr18:21,857,238, A>G. VCF-style: chr18-21857238-A-G. GRCh37 (hg19) VCF-style: chr18-19437199-A-G.
Other names: short protein forms D925G.
Identifiers: ClinVar variation 3294695 (VCV003294695.1).

ClinVar aggregate classification (germline): Uncertain significance (1 of 4 stars; one submission).

Conditions:
Inborn genetic diseases. Identifiers: MedGen C0950123, MeSH D030342.

gnomAD v4.1: 2 of 1,609,022 alleles (0.00012%); highest among the groups gnomAD compares: African/African-American, 0.0027%; no homozygotes.

Submission:

Ambry Genetics
Classification: Uncertain significance for Inborn genetic diseases. Last evaluated: 2024-03-21. Review status: criteria provided, single submitter. Criteria: Ambry Variant Classification Scheme 2023. Collection method: clinical testing. Allele origin: germline.
Comment: The p.D925G variant (also known as c.2774A>G), located in coding exon 19 of the MIB1 gene, results from an A to G substitution at nucleotide position 2774. The aspartic acid at codon 925 is replaced by glycine, an amino acid with similar properties. This amino acid position is conserved. In addition, the in silico prediction for this alteration is inconclusive. Based on the available evidence, the clinical significance of this alteration remains unclear.